The following is an entry in ClinVar:

ClinVar aggregate classification (germline): Uncertain significance. Review status: criteria provided, multiple submitters, no conflicts (2 of 4 stars). 2 submissions from 2 submitters: Uncertain significance (2). Last evaluated 2023-02-03.

Conditions:
Developmental and epileptic encephalopathy, 33 (DEE33). Also called: Epileptic encephalopathy, early infantile, 33. Identifiers: Orphanet 442835, MedGen C4225337, MONDO:0014625, OMIM 616409.

Allele frequency attached by ClinVar (database versions not stated): gnomAD exomes below 0.00001.
gnomAD v4.1: 4 of 1,612,840 alleles (0.00025%); highest among the groups gnomAD compares: South Asian, 0.0011%; no homozygotes.

Submissions (2):

Labcorp Genetics (formerly Invitae), Labcorp
Classification: Uncertain significance for Developmental and epileptic encephalopathy, 33. Last evaluated: 2023-02-03. Review status: criteria provided, single submitter. Criteria: Invitae Variant Classification Sherloc (09022015). Collection method: clinical testing. Allele origin: germline.
Comment: This missense change has been observed in individual(s) with clinical features of EEF1A2-related conditions (Invitae). This variant is not present in population databases (gnomAD no frequency). This sequence change replaces glutamic acid, which is acidic and polar, with lysine, which is basic and polar, at codon 164 of the EEF1A2 protein (p.Glu164Lys). ClinVar contains an entry for this variant (Variation ID: 1285456). In summary, the available evidence is currently insufficient to determine the role of this variant in disease. Therefore, it has been classified as a Variant of Uncertain Significance. Advanced modeling of protein sequence and biophysical properties (such as structural, functional, and spatial information, amino acid conservation, physicochemical variation, residue mobility, and thermodynamic stability) performed at Invitae indicates that this missense variant is not expected to disrupt EEF1A2 protein function.

Institute of Human Genetics, University of Leipzig Medical Center
Classification: Uncertain significance for Developmental and epileptic encephalopathy, 33. Last evaluated: 2020-11-13. Review status: criteria provided, single submitter. Criteria: ACMG Guidelines, 2015. Collection method: clinical testing. Allele origin: unknown. Affected: yes.

NM_001958.5(EEF1A2):c.490G>A (p.Glu164Lys)

Genes: EEF1A2 (eukaryotic translation elongation factor 1 alpha 2; minus strand), LOC132090595 (Neanderthal introgressed variant-containing enhancer experimental_60987; plus strand). Cytogenetic location: 20q13.33.
Variant type: single nucleotide variant.
Coding change: c.490G>A on transcript NM_001958.5 (MANE Select); coding-DNA position 490, G replaced by A.
Protein change: p.Glu164Lys; replaces glutamic acid 164 with lysine.
Molecular consequence: missense variant.
Genome position (GRCh38, 1-based): chr20:63,494,936, C>T on the plus strand (G>A on the coding strand, the complement: EEF1A2 is on the minus strand). VCF-style: chr20-63494936-C-T. GRCh37 (hg19) VCF-style: chr20-62126289-C-T.
Other names: short protein forms E164K.
Identifiers: ClinVar variation 1285456 (VCV001285456.4), dbSNP rs2145944822, ClinGen allele CA409649651.
Genomic context (GRCh38, chr20:63,494,936, plus strand): 5'-TGTAGCCGATCTTCTTGATGTAGGCGCTGACTTCCTTGACGATCTCGTCGTAGCGCTTCT[C>T]GCTGTAGGCCGGCTCTGTGGAGTCCATTTTGTTCACGCCCACGATGAGCTGCTTCACACC-3'
Protein context (NP_001949.1, residues 154-174): KMDSTEPAYS[Glu164Lys]KRYDEIVKEV